The following is an entry in ClinVar:

NM_031157.4(HNRNPA1):c.435A>G (p.Lys145=)

Gene: HNRNPA1 (heterogeneous nuclear ribonucleoprotein A1; plus strand). Cytogenetic location: 12q13.13.
Variant type: single nucleotide variant.
Coding change: c.435A>G on transcript NM_031157.4 (MANE Select); coding-DNA position 435, A replaced by G.
Protein change: p.Lys145=; no amino-acid change (lysine 145 retained).
Molecular consequence: synonymous variant. On other transcripts: non-coding transcript variant (1).
Genome position (GRCh38, 1-based): chr12:54,282,245, A>G. VCF-style: chr12-54282245-A-G. GRCh37 (hg19) VCF-style: chr12-54676029-A-G.
Other names: c.435A>G, p.Lys145= (NM_002136.4).
Identifiers: ClinVar variation 3031753 (VCV003031753.2), dbSNP rs758841468, ClinGen allele CA6606205.

ClinVar aggregate classification (germline): Likely benign (0 of 4 stars; one submission).

Conditions:
HNRNPA1-related disorder. Also called: HNRNPA1-related condition.

Allele frequency attached by ClinVar (database versions not stated): gnomAD exomes 0.00001; ExAC 0.00003; TOPMed 0.00003; gnomAD 0.00004.
gnomAD v4.1: 23 of 1,612,322 alleles (0.0014%); highest among the groups gnomAD compares: African/African-American, 0.0027%; no homozygotes.

Submission:

PreventionGenetics, part of Exact Sciences
Classification: Likely benign for HNRNPA1-related condition. Last evaluated: 2020-08-18. Review status: no assertion criteria provided. Collection method: clinical testing. Allele origin: germline.
Comment: This variant is classified as likely benign based on ACMG/AMP sequence variant interpretation guidelines (Richards et al. 2015 PMID: 25741868, with internal and published modifications).